The following is an entry in ClinVar:

ClinVar aggregate classification (germline): Pathogenic/Likely pathogenic. Review status: criteria provided, multiple submitters, no conflicts (2 of 4 stars). 9 submissions from 7 submitters: Pathogenic (2); Likely pathogenic (7). Last evaluated 2024-08-31.

Conditions:
Cardiovascular phenotype. Identifiers: MedGen CN230736.
Hypertrophic cardiomyopathy 2. Also called: TNNT2-Related Familial Hypertrophic Cardiomyopathy. Identifiers: MedGen C1861864, MONDO:0007266, OMIM 115195.
Dilated cardiomyopathy 1D. Identifiers: Orphanet 154, Orphanet 54260, MedGen C1832243, MONDO:0011095, OMIM 601494.
Cardiomyopathy, familial restrictive, 3. Identifiers: Orphanet 75249, MedGen C2676271, MONDO:0012900, OMIM 612422.
Cardiomyopathy (CMYO). Also called: Cardiomyopathies. Identifiers: Orphanet 167848, MedGen C0878544, MONDO:0004994, HP:0001638. Inheritance: Various modes of inheritance.
Hypertrophic cardiomyopathy. Also called: HYPERTROPHIC MYOCARDIOPATHY. Identifiers: Orphanet 217569, MedGen C0007194, MeSH D002312, MONDO:0005045, HP:0001639.

Submissions (9):

Labcorp Genetics (formerly Invitae), Labcorp
Classification: Pathogenic for Cardiomyopathy, familial restrictive, 3; Hypertrophic cardiomyopathy 2; Dilated cardiomyopathy 1D. Last evaluated: 2024-08-31. Review status: criteria provided, single submitter. Criteria: Invitae Variant Classification Sherloc (09022015). Collection method: clinical testing. Allele origin: germline.
Comment: This sequence change creates a premature translational stop signal (p.Trp287*) in the TNNT2 gene. While this is not anticipated to result in nonsense mediated decay, it is expected to disrupt the last 2 amino acid(s) of the TNNT2 protein. This variant is not present in population databases (gnomAD no frequency). This premature translational stop signal has been observed in individuals with hypertrophic cardiomyopathy (PMID: 22857948; internal data). It has also been observed to segregate with disease in related individuals. ClinVar contains an entry for this variant (Variation ID: 181636). For these reasons, this variant has been classified as Pathogenic.

All of Us Research Program, National Institutes of Health
Classification: Likely pathogenic for Hypertrophic cardiomyopathy. Last evaluated: 2024-01-08. Review status: criteria provided, single submitter. Criteria: ACMG Guidelines, 2015. Collection method: clinical testing. Allele origin: germline. Inheritance: Autosomal dominant inheritance. Observed: 1 variant allele, 1 heterozygote.
Comment: This variant changes 1 nucleotide in exon 16 of the TNNT2 gene, creating a premature translation stop signal. This variant is expected to result in an absent or non-functional protein product. To our knowledge, functional studies have not been reported for this variant. This variant has been reported in several individuals affected with hypertrophic cardiomyopathy (PMID: 12707239, 20439259; ClinVar SCV000713356.2, SCV000767821.3). Another variant resulting in the same truncation (c.890G>A, p.Trp287*) has been reported in over 20 individuals affected with hypertrophic cardiomyopathy (ClinVar Variation ID: 177636). This variant has not been identified in the general population by the Genome Aggregation Database (gnomAD). Based on the available evidence, this variant is classified as Likely Pathogenic.

This study involves interpretation of variants in research participants for the purpose of population health screening. Participant phenotype was not available at the time of variant classification. Additional details can be found in publication PMID: 35346344, PMCID: PMC8962531

Color Diagnostics, LLC DBA Color Health
Classification: Likely pathogenic for Cardiomyopathy. Last evaluated: 2023-10-23. Review status: criteria provided, single submitter. Criteria: ACMG Guidelines, 2015. Collection method: clinical testing. Allele origin: germline.
Comment: This variant changes 1 nucleotide in exon 16 of the TNNT2 gene, creating a premature translation stop signal. This variant is expected to result in an absent or non-functional protein product. To our knowledge, functional studies have not been reported for this variant. This variant has been reported in several individuals affected with hypertrophic cardiomyopathy (PMID: 12707239, 20439259; ClinVar SCV000713356.2, SCV000767821.3). Another variant resulting in the same truncation (c.890G>A, p.Trp287*) has been reported in over 20 individuals affected with hypertrophic cardiomyopathy (ClinVar Variation ID: 177636). This variant has not been identified in the general population by the Genome Aggregation Database (gnomAD). Based on the available evidence, this variant is classified as Likely Pathogenic.

Genome-Nilou Lab
Classification: Likely pathogenic for Dilated cardiomyopathy 1D. Last evaluated: 2023-04-11. Review status: criteria provided, single submitter. Criteria: ACMG Guidelines, 2015. Collection method: clinical testing. Allele origin: germline. Affected: no.

Genome-Nilou Lab
Classification: Likely pathogenic for Cardiomyopathy, familial restrictive, 3. Last evaluated: 2023-04-11. Review status: criteria provided, single submitter. Criteria: ACMG Guidelines, 2015. Collection method: clinical testing. Allele origin: germline. Affected: no.

Genome-Nilou Lab
Classification: Likely pathogenic for Hypertrophic cardiomyopathy 2. Last evaluated: 2023-04-11. Review status: criteria provided, single submitter. Criteria: ACMG Guidelines, 2015. Collection method: clinical testing. Allele origin: germline. Affected: no.

GeneDx
Classification: Likely pathogenic. Last evaluated: 2018-10-02. Review status: criteria provided, single submitter. Criteria: GeneDx Variant Classification (06012015). Collection method: clinical testing. Allele origin: germline. Affected: yes.
Comment: The W287X (c.861 G>A) likely pathogenic variant in the TNNT2 gene has not been reported as a pathogenic or benign to our knowledge. However, a different nucleotide change, c.860 G>A, that results in the same nonsense W287X variant, has been reported previously in several unrelated individuals diagnosed with HCM (Richard et al., 2003; Hershberger et al., 2009; Lopes et al., 2013 Brito et al., 2012; Walsh et al., 2017). The W287X variant has also been reported in individuals with HCM, but the nucleotide change was not specified (Gandjbakhch et al., 2010; Bales et al., 2016). The W287X variant is within the last exon of TNNT2 and is predicted to cause protein truncation with loss of the last two amino acid residues of the protein. Nevertheless, only one other nonsense variant in the TNNT2 gene has been reported in the Human Gene Mutation Database occurring upstream, and the clinical significance of this variant is currently unknown. Thus, in the absence of functional studies, the consequences of this variant cannot be precisely determined. Lastly, the W287X (c.861 G>A) variant is not observed in large population cohorts (Lek et al., 2016). In summary, W287X in the TNNT2 gene is interpreted as a likely pathogenic variant.

Laboratory for Molecular Medicine, Mass General Brigham Personalized Medicine
Classification: Likely pathogenic for Hypertrophic cardiomyopathy. Last evaluated: 2017-11-02. Review status: criteria provided, single submitter. Criteria: LMM Criteria. Collection method: clinical testing. Allele origin: germline. Inheritance: Autosomal dominant inheritance. Observed: 1 variant allele.
Comment: The p.Trp287X (c.861G>A) variant in TNNT2 has not been previously reported in th e literature or in large population studies. However, another variant (c.860G>A) that leads to the same amino acid change (p.Trp287X) has been identified in >20 individuals with HCM and segregated with disease in 7 affected relatives from 6 families (Richard 2003, Gandjbakhch 2010, Brito 2012, Lopez 2013, D. Brito pers comm, GeneDx pers comm; LMM unpublished data). Adult patients who carried this variant were noted to have mild to moderate HCM and ECG abnormalities (D. Brito pers comm). This nonsense variant leads to a premature termination codon at posi tion 287. This alteration occurs within the last exon and may therefore escape n onsense mediated decay (NMD), resulting in a truncated protein that is lacking t he last 2 amino acids. In summary, although additional studies are required to f ully establish its clinical significance, the p.Trp287X variant is likely pathog enic. ACMG/AMP Criteria applied: PS1, PM4, PM2 (Richards 2015).

Women's Health and Genetics/Laboratory Corporation of America, LabCorp
Classification: Pathogenic for Cardiovascular phenotype. Last evaluated: 2017-01-09. Review status: criteria provided, single submitter. Criteria: LabCorp Variant Classification Summary - May 2015. Collection method: clinical testing. Allele origin: germline.
Comment: Variant summary: The TNNT2 c.861G>A (p.Trp287X) variant results in a premature termination codon, predicted to cause a truncated or absent TNNT2 protein due to nonsense mediated decay, which are commonly known mechanisms for disease. The variant of interest was not observed in controls (ExAC, 1000 Gs, ESP, or publications) and has been reported in multiple affected individuals. In addition, a clinical diagnostic laboratory cites the variant as "pathogenic." Therefore, the variant of interest has been classified as "pathogenic."

Literature cited by the submitters: PubMed 22857948 (cited by 3 submitters); PubMed 12707239 (cited by 4 submitters); PubMed 20439259 (cited by 3 submitters); PubMed 23396983 (cited by Laboratory for Molecular Medicine, Mass General Brigham Personalized Medicine).

NM_001276345.2(TNNT2):c.891G>A (p.Trp297Ter)

Gene: TNNT2 (troponin T2, cardiac type; minus strand). Cytogenetic location: 1q32.1.
Variant type: single nucleotide variant.
Coding change: c.891G>A on transcript NM_001276345.2 (MANE Select); coding-DNA position 891, G replaced by A.
Protein change: p.Trp297Ter; replaces tryptophan 297 with a stop codon.
Molecular consequence: nonsense.
Genome position (GRCh38, 1-based): chr1:201,359,216, C>T on the plus strand (G>A on the coding strand, the complement: TNNT2 is on the minus strand). VCF-style: chr1-201359216-C-T. GRCh37 (hg19) VCF-style: chr1-201328344-C-T.
Other names: p.W287*:TGG>TGA; c.861G>A, p.Trp287Ter (NM_001001430.3, NM_001276347.2); c.843G>A, p.Trp281Ter (NM_001001432.3); c.762G>A, p.Trp254Ter (NM_001276346.2); c.852G>A, p.Trp284Ter (NM_001001431.3); c.882G>A, p.Trp294Ter (NM_000364.4); short protein forms W287*, W294*, W284*, W281*, W254*, W297*.
Identifiers: ClinVar variation 181636 (VCV000181636.14), dbSNP rs730881116, ClinGen allele CA005319.